The following is an entry in ClinVar:

ClinVar aggregate classification (germline): Uncertain significance. Review status: criteria provided, multiple submitters, no conflicts (2 of 4 stars). 3 submissions from 3 submitters: Uncertain significance (3). Last evaluated 2026-02-02.

Conditions:
ALG6-congenital disorder of glycosylation 1C (CDG1C). Also called: Congenital disorder of glycosylation, type Ic; CARBOHYDRATE-DEFICIENT GLYCOPROTEIN SYNDROME, TYPE I, WITH DEFICIENT GLYCOSYLATION OF DOLICHOL-LINKED OLIGOSACCHARIDE; CARBOHYDRATE-DEFICIENT GLYCOPROTEIN SYNDROME, TYPE V; Congenital disorder of glycosylation type 1C; CDG Ic. Identifiers: Orphanet 79320, MedGen C2930997, MONDO:0011291, OMIM 603147.

Allele frequency attached by ClinVar (database versions not stated): gnomAD 0.00007; ExAC 0.00012; gnomAD exomes 0.00013; ESP Exome Variant Server 0.00015; TOPMed 0.00015.
gnomAD v4.1: 152 of 1,613,588 alleles (0.0094%); highest among the groups gnomAD compares: East Asian, 0.042%; no homozygotes.

Submissions (3):

Women's Health and Genetics/Laboratory Corporation of America, LabCorp
Classification: Uncertain significance. Last evaluated: 2026-02-02. Review status: criteria provided, single submitter. Criteria: LabCorp Variant Classification Summary - May 2015. Collection method: clinical testing. Allele origin: germline.
Comment: Variant summary: ALG6 c.1465T>G (p.Phe489Val) results in a non-conservative amino acid change in the encoded protein sequence. Algorithms developed to predict the effect of missense changes on protein structure and function all suggest that this variant is likely to be disruptive. The variant allele was found at a frequency of 0.00013 in 250884 control chromosomes. This frequency is not significantly higher than estimated for disease-causing variants in ALG6, allowing no conclusion about variant significance. c.1465T>G has been observed in a heterozygous individual affected with bilateral polycystic kidneys and polycystic liver, which might belong to the symptom spectrum of ALG6-related disorders (Schonauer_2020), however this patient also carried another missense variant in the ALG6 gene. This report does not provide unequivocal conclusions about association of the variant with ALG6-congenital disorder of glycosylation 1C. To our knowledge, no experimental evidence demonstrating an impact on protein function has been reported. The following publication has been ascertained in the context of this evaluation (PMID: 32398770). ClinVar contains an entry for this variant (Variation ID: 128352). Based on the evidence outlined above, the variant was classified as uncertain significance.

Labcorp Genetics (formerly Invitae), Labcorp
Classification: Uncertain significance for ALG6-congenital disorder of glycosylation 1C. Last evaluated: 2026-01-12. Review status: criteria provided, single submitter. Criteria: Invitae Variant Classification Sherloc (09022015). Collection method: clinical testing. Allele origin: germline.
Comment: This sequence change replaces phenylalanine, which is neutral and non-polar, with valine, which is neutral and non-polar, at codon 489 of the ALG6 protein (p.Phe489Val). This variant is present in population databases (rs145152115, gnomAD 0.03%). This missense change has been observed in individual(s) with clinical features of ALG6-related disease (PMID: 32398770). ClinVar contains an entry for this variant (Variation ID: 128352). Invitae Evidence Modeling of protein sequence and biophysical properties (such as structural, functional, and spatial information, amino acid conservation, physicochemical variation, residue mobility, and thermodynamic stability) has been performed for this missense variant. However, the output from this modeling did not meet the statistical confidence thresholds required to predict the impact of this variant on ALG6 protein function. In summary, the available evidence is currently insufficient to determine the role of this variant in disease. Therefore, it has been classified as a Variant of Uncertain Significance.

Genetic Services Laboratory, University of Chicago
Classification: Uncertain significance. Last evaluated: 2014-03-31. Review status: criteria provided, single submitter. Criteria: ACMG Guidelines, 2007. Collection method: clinical testing. Allele origin: germline. Inheritance: Autosomal recessive inheritance.

Literature cited by the submitters: PubMed 32398770 (cited by Women's Health and Genetics/Laboratory Corporation of America, LabCorp and Labcorp Genetics (formerly Invitae), Labcorp).

NM_013339.4(ALG6):c.1465T>G (p.Phe489Val)

Gene: ALG6 (ALG6 alpha-1,3-glucosyltransferase; plus strand). Cytogenetic location: 1p31.3.
Variant type: single nucleotide variant.
Coding change: c.1465T>G on transcript NM_013339.4 (MANE Select); coding-DNA position 1465, T replaced by G.
Protein change: p.Phe489Val; replaces phenylalanine 489 with valine.
Molecular consequence: missense variant.
Genome position (GRCh38, 1-based): chr1:63,436,961, T>G. VCF-style: chr1-63436961-T-G. GRCh37 (hg19) VCF-style: chr1-63902632-T-G.
Other names: c.1465T>G, p.Phe489Val (LRG_1260t1); short protein forms F489V.
Identifiers: ClinVar variation 128352 (VCV000128352.11), dbSNP rs145152115, ClinGen allele CA230876.